The following is an entry in ClinVar:

NM_002691.4(POLD1):c.338_370del (p.Gly113_Pro123del)

Gene: POLD1 (DNA polymerase delta 1, catalytic subunit; plus strand). Cytogenetic location: 19q13.33.
Variant type: Deletion.
Coding change: c.338_370del on transcript NM_002691.4 (MANE Select); coding-DNA positions 338 to 370, 33 bases deleted.
Protein change: p.Gly113_Pro123del.
Molecular consequence: inframe deletion. On other transcripts: non-coding transcript variant (1).
Genome position (GRCh38, 1-based): chr19:50,401,799-50,401,831, 33 bases deleted; deleting any 33 consecutive bases within chr19:50,401,792-50,401,831 gives the same sequence; the c. name uses the placement nearest the transcript's 3' end. GRCh37 (hg19): chr19:50,905,056-50,905,088.
Other names: c.338_370del, p.Gly113_Pro123del (NM_001256849.1, NM_001308632.1).
Identifiers: ClinVar variation 537113 (VCV000537113.10), dbSNP rs1555789763, ClinGen allele CA658799293.

ClinVar aggregate classification (germline): Uncertain significance (1 of 4 stars; one submission).

Conditions:
POLD1-related polyposis and colorectal cancer syndrome (CRCS10). Also called: Colorectal cancer 10; COLORECTAL CANCER, SUSCEPTIBILITY TO, ON CHROMOSOME 19q; Colorectal cancer, susceptibility to, 10. Identifiers: Orphanet 220460, MedGen C2675481, MONDO:0012953, OMIM 612591.

Submission:

Labcorp Genetics (formerly Invitae), Labcorp
Classification: Uncertain significance for POLD1-related polyposis and colorectal cancer syndrome. Last evaluated: 2019-03-13. Review status: criteria provided, single submitter. Criteria: Invitae Variant Classification Sherloc (09022015). Collection method: clinical testing. Allele origin: germline.
Comment: In summary, the available evidence is currently insufficient to determine the role of this variant in disease. Therefore, it has been classified as a Variant of Uncertain Significance. Experimental studies and prediction algorithms are not available for this variant, and the functional significance of the deleted amino acids is currently unknown. This variant has not been reported in the literature in individuals with POLD1-related disease. This variant is not present in population databases (ExAC no frequency). This variant, c.338_370del, results in the deletion of 11 amino acids of the POLD1 protein (p.Gly113_Pro123del), but otherwise preserves the integrity of the reading frame.